The following is an entry in ClinVar:

ClinVar aggregate classification (germline): Uncertain significance (1 of 4 stars; one submission).

Conditions:
Dyskeratosis congenita, autosomal dominant 1 (DKCA1). Also called: Dyskeratosis congenita Scoggins type. Identifiers: Orphanet 1775, MedGen C4551974, MONDO:0007485, OMIM 127550. Inheritance: Variable.

Submission:

Labcorp Genetics (formerly Invitae), Labcorp
Classification: Uncertain significance for Dyskeratosis congenita, autosomal dominant 1. Last evaluated: 2023-10-27. Review status: criteria provided, single submitter. Criteria: Invitae Variant Classification Sherloc (09022015). Collection method: clinical testing. Allele origin: germline.
Comment: This variant occurs in the TERC gene, which encodes an RNA molecule that does not result in a protein product. This variant is located within the template/pseudoknot domain of the TERC RNA component, which is required for RNA or RNP stability (PMID: 15082312, 21844345). This variant is not present in population databases (gnomAD no frequency). This variant has not been reported in the literature in individuals affected with TERC-related conditions. ClinVar contains an entry for this variant (Variation ID: 1443824). This variant is located within the template/pseudoknot domain of the TERC RNA component, which is required for RNA or RNP stability (PMID: 15082312, 21844345). This variant is located in a region of TERC in which a significant number of disease causing variants have been reported (PMID: 15082312, 21844345, 21931702). These observations suggest that this may be a clinically significant region. In summary, the available evidence is currently insufficient to determine the role of this variant in disease. Therefore, it has been classified as a Variant of Uncertain Significance.

Literature cited by the submitters: PubMed 15082312; PubMed 21844345; PubMed 21931702.

NC_000003.12:g.169764916G>A

Genes: TERC (telomerase RNA component; minus strand), LOC110806306 (telomerase RNA component (TERC) promoter; plus strand). Cytogenetic location: 3q26.2.
Variant type: single nucleotide variant.
Genome position: GRCh38 VCF-style: chr3-169764916-G-A. GRCh37 (hg19) VCF-style: chr3-169482704-G-A.
Identifiers: ClinVar variation 1443824 (VCV001443824.6), dbSNP rs1777962706, ClinGen allele CA436715642.